The following is an entry in ClinVar:

ClinVar aggregate classification (germline): Pathogenic/Likely pathogenic. Review status: criteria provided, multiple submitters, no conflicts (2 of 4 stars). 3 submissions from 3 submitters: Pathogenic (1); Likely pathogenic (1). 1 of the submissions does not count toward it. Last evaluated 2025-06-27.

Conditions:
Charcot-Marie-Tooth disease type 2. Also called: Charcot-Marie-Tooth type 2. Identifiers: Orphanet 64746, MedGen C0270914, MONDO:0018993.
Charcot-Marie-Tooth disease type 2A2. Also called: CHARCOT-MARIE-TOOTH DISEASE, AXONAL, AUTOSOMAL DOMINANT, TYPE 2A2A; CHARCOT-MARIE-TOOTH DISEASE, NEURONAL, TYPE 2A2; Charcot-Marie-Tooth Neuropathy Type 2A2; HEREDITARY MOTOR AND SENSORY NEUROPATHY IIA2; HMSN IIA2; CHARCOT-MARIE-TOOTH DISEASE, AXONAL, TYPE 2A2. Identifiers: Orphanet 99947, MedGen C4721887, MONDO:0012231, OMIM 609260.

Submissions (3):

Labcorp Genetics (formerly Invitae), Labcorp
Classification: Pathogenic for Charcot-Marie-Tooth disease type 2. Last evaluated: 2025-06-27. Review status: criteria provided, single submitter. Criteria: Invitae Variant Classification Sherloc (09022015). Collection method: clinical testing. Allele origin: germline.
Comment: This sequence change replaces lysine, which is basic and polar, with asparagine, which is neutral and polar, at codon 357 of the MFN2 protein (p.Lys357Asn). This variant is not present in population databases (gnomAD no frequency). This missense change has been observed in individual(s) with Charcot-Marie-Tooth disease type 2 (CMT2) (PMID: 15549395). In at least one individual the variant was observed to be de novo. ClinVar contains an entry for this variant (Variation ID: 2274). Invitae Evidence Modeling of protein sequence and biophysical properties (such as structural, functional, and spatial information, amino acid conservation, physicochemical variation, residue mobility, and thermodynamic stability) indicates that this missense variant is expected to disrupt MFN2 protein function with a positive predictive value of 95%. For these reasons, this variant has been classified as Pathogenic.

GeneDx
Classification: Likely pathogenic. Last evaluated: 2024-07-15. Review status: criteria provided, single submitter. Criteria: GeneDx Variant Classification Process June 2021. Collection method: clinical testing. Allele origin: germline. Affected: yes.
Comment: Not observed at significant frequency in large population cohorts (gnomAD); In silico analysis supports that this missense variant has a deleterious effect on protein structure/function; This variant is associated with the following publications: (PMID: 26143526, 24863639, 35032046, 15549395)

OMIM
Classification: Pathogenic for CHARCOT-MARIE-TOOTH DISEASE, AXONAL, TYPE 2A2A. Last evaluated: 2005-01-01. Review status: no assertion criteria provided. Collection method: literature only. Allele origin: germline. Not counted in ClinVar's aggregate classification.

Literature cited by the submitters: PubMed 15549395 (cited by Labcorp Genetics (formerly Invitae), Labcorp and OMIM).

NM_014874.4(MFN2):c.1071G>C (p.Lys357Asn)

Gene: MFN2 (mitofusin 2; plus strand). Cytogenetic location: 1p36.22.
Variant type: single nucleotide variant.
Coding change: c.1071G>C on transcript NM_014874.4 (MANE Select); coding-DNA position 1071, G replaced by C.
Protein change: p.Lys357Asn; replaces lysine 357 with asparagine.
Molecular consequence: missense variant.
Genome position (GRCh38, 1-based): chr1:12,002,014, G>C. VCF-style: chr1-12002014-G-C. GRCh37 (hg19) VCF-style: chr1-12062071-G-C.
Other names: c.1071G>C, p.Lys357Asn (NM_001127660.2); short protein forms K357N.
Identifiers: ClinVar variation 2274 (VCV000002274.9), dbSNP rs119103261, ClinGen allele CA252160.